The following is an entry in ClinVar:

ClinVar aggregate classification (germline): Uncertain significance. Review status: criteria provided, multiple submitters, no conflicts (2 of 4 stars). 2 submissions from 2 submitters: Uncertain significance (2). Last evaluated 2025-11-05.

Conditions:
Episodic kinesigenic dyskinesia (EKD). Also called: Paroxysmal kinesigenic dyskinesia. Identifiers: Orphanet 98809, MedGen C1868682, MONDO:0044202.
Episodic kinesigenic dyskinesia 1 (EKD1). Also called: PRRT2-Related Paroxysmal Kinesigenic Dyskinesia (PKD); DYSTONIA, FAMILIAL PAROXYSMAL; PAROXYSMAL KINESIGENIC CHOREOATHETOSIS; PxMD-PRRT2; Dystonia 10. Identifiers: Orphanet 98809, MedGen C4552000, MONDO:0100352, OMIM 128200, MONDO:0007494.

Submissions (2):

Labcorp Genetics (formerly Invitae), Labcorp
Classification: Uncertain significance for Episodic kinesigenic dyskinesia. Last evaluated: 2025-11-05. Review status: criteria provided, single submitter. Criteria: Invitae Variant Classification Sherloc (09022015). Collection method: clinical testing. Allele origin: germline.
Comment: This variant, c.24_32dup, results in the insertion of 3 amino acid(s) of the PRRT2 protein (p.Ile8_Glu10dup), but otherwise preserves the integrity of the reading frame. This variant is present in population databases (rs757994031, gnomAD 0.002%). This variant has not been reported in the literature in individuals affected with PRRT2-related conditions. ClinVar contains an entry for this variant (Variation ID: 845093). Experimental studies and prediction algorithms are not available or were not evaluated, and the functional significance of this variant is currently unknown. In summary, the available evidence is currently insufficient to determine the role of this variant in disease. Therefore, it has been classified as a Variant of Uncertain Significance.

Victorian Clinical Genetics Services, Murdoch Childrens Research Institute
Classification: Uncertain significance for Episodic kinesigenic dyskinesia 1. Last evaluated: 2020-05-21. Review status: criteria provided, single submitter. Criteria: ACMG Guidelines, 2015. Collection method: clinical testing. Allele origin: germline. Inheritance: Autosomal dominant inheritance.
Comment: A heterozygous in-frame duplication variant was identified, NM_145239.2(PRRT2):c.24_32dup in exon 2 of 4 of the PRRT2 gene. This variant is predicted to result in an in-frame duplication of multiple amino acids at position 8 to 10 of the protein; NP_660282.2(PRRT2):p.(Ile8_Glu10dup). The amino acids at thess positions have overall low conservation (100 vertebrates, UCSC), and is not situated in a known functional domain (NCBI, PDB). The variant is present in the gnomAD population database at a frequency of 0.0008% (2 heterozygotes). The variant has not been previously reported in clinical cases. Based on information available at the time of curation, this variant has been classified as a VUS with LOW CLINICAL RELEVANCE. Legend: (P) - Pathogenic, (N) - Neutral, (B) - Benign

NM_145239.3(PRRT2):c.15CTCTGAGAT[3] (p.Ile8_Glu10dup)

Genes: MVP-DT (MVP divergent transcript; minus strand), PRRT2 (proline rich transmembrane protein 2; plus strand). Cytogenetic location: 16p11.2.
Variant type: Microsatellite.
Coding change: c.15CTCTGAGAT[3] on transcript NM_145239.3 (MANE Select); three copies in a row of the 9-base unit CTCTGAGAT starting at c.15; the reference has two copies in a row; one copy, 9 bases duplicated.
Protein change: p.Ile8_Glu10dup.
Molecular consequence: inframe insertion.
Genome position (GRCh38, 1-based): chr16:29,813,078-29,813,086, CTCTGAGAT duplicated; duplicating any 9 consecutive bases within chr16:29,813,069-29,813,086 gives the same sequence; the position shown is the placement nearest the transcript's 3' end. VCF-style (leftmost placement, unchanged base first): chr16-29813068-G-GCTCTGAGAT. GRCh37 (hg19) VCF-style: chr16-29824389-G-GCTCTGAGAT.
Other names: c.15CTCTGAGAT[3], p.Ile8_Glu10dup (NM_001256443.2, NM_001256442.2); c.24_32dupCTCTGAGAT (NM_145239.2).
Identifiers: ClinVar variation 845093 (VCV000845093.11), dbSNP rs757994031, ClinGen allele CA7994461.